The following is an entry in ClinVar:

ClinVar aggregate classification (germline): Benign. Review status: criteria provided, multiple submitters, no conflicts (2 of 4 stars). 2 submissions from 2 submitters: Benign (2). Last evaluated 2018-06-14.

Allele frequency attached by ClinVar (database versions not stated): gnomAD exomes 0.03099 and 0.04212; ExAC 0.05233; gnomAD 0.08028 and 0.08282; ESP Exome Variant Server 0.08707; TOPMed 0.08856; 1000 Genomes Project 0.10423; 1000 Genomes Project 30x 0.10884.
gnomAD v4.1: 39,440 of 1,022,330 alleles (3.9%); highest among the groups gnomAD compares: African/African-American, 22%; 2,048 homozygotes.

Submissions (13):

GeneDx
Classification: Benign. Last evaluated: 2018-06-14. Review status: criteria provided, single submitter. Criteria: GeneDx Variant Classification (06012015). Collection method: clinical testing. Allele origin: germline. Affected: yes.
Comment: This variant is considered likely benign or benign based on one or more of the following criteria: it is a conservative change, it occurs at a poorly conserved position in the protein, it is predicted to be benign by multiple in silico algorithms, and/or has population frequency not consistent with disease.

Breakthrough Genomics
Classification: Benign. Review status: criteria provided, single submitter. Criteria: ACMG Guidelines, 2015. Collection method: not provided. Allele origin: germline. Inheritance: Autosomal recessive inheritance. Affected: yes.

Dr. Peter K. Rogan Lab, Western University
No classification provided (evidence only). Condition: Lung cancer. Review status: no classification provided. Collection method: in vitro. Allele origin: not applicable. Functional consequence: retained intron. Not counted in ClinVar's aggregate classification.

Dr. Peter K. Rogan Lab, Western University
No classification provided (evidence only). Condition: Sarcoma. Review status: no classification provided. Collection method: in vitro. Allele origin: not applicable. Functional consequence: retained intron. Not counted in ClinVar's aggregate classification.

Dr. Peter K. Rogan Lab, Western University
No classification provided (evidence only). Condition: Sarcoma. Review status: no classification provided. Collection method: in vitro. Allele origin: not applicable. Functional consequence: retained intron. Not counted in ClinVar's aggregate classification.

Dr. Peter K. Rogan Lab, Western University
No classification provided (evidence only). Condition: Sarcoma. Review status: no classification provided. Collection method: in vitro. Allele origin: not applicable. Functional consequence: retained intron. Not counted in ClinVar's aggregate classification.

Dr. Peter K. Rogan Lab, Western University
No classification provided (evidence only). Condition: Sarcoma. Review status: no classification provided. Collection method: in vitro. Allele origin: not applicable. Functional consequence: retained intron. Not counted in ClinVar's aggregate classification.

Dr. Peter K. Rogan Lab, Western University
No classification provided (evidence only). Condition: Thymoma. Review status: no classification provided. Collection method: in vitro. Allele origin: not applicable. Functional consequence: retained intron. Not counted in ClinVar's aggregate classification.

Dr. Peter K. Rogan Lab, Western University
No classification provided (evidence only). Condition: Ovarian serous cystadenocarcinoma. Review status: no classification provided. Collection method: in vitro. Allele origin: not applicable. Functional consequence: retained intron. Not counted in ClinVar's aggregate classification.

Dr. Peter K. Rogan Lab, Western University
No classification provided (evidence only). Condition: Ovarian serous cystadenocarcinoma. Review status: no classification provided. Collection method: in vitro. Allele origin: not applicable. Functional consequence: retained intron. Not counted in ClinVar's aggregate classification.

Dr. Peter K. Rogan Lab, Western University
No classification provided (evidence only). Condition: Ovarian serous cystadenocarcinoma. Review status: no classification provided. Collection method: in vitro. Allele origin: not applicable. Functional consequence: retained intron. Not counted in ClinVar's aggregate classification.

Dr. Peter K. Rogan Lab, Western University
No classification provided (evidence only). Condition: Gastric cancer. Review status: no classification provided. Collection method: in vitro. Allele origin: not applicable. Functional consequence: retained intron. Not counted in ClinVar's aggregate classification.

Dr. Peter K. Rogan Lab, Western University
No classification provided (evidence only). Condition: Gastric cancer. Review status: no classification provided. Collection method: in vitro. Allele origin: not applicable. Functional consequence: retained intron. Not counted in ClinVar's aggregate classification.

NM_004447.6(EPS8):c.1677+36A>G

Gene: EPS8 (EGFR pathway substrate 8, signaling adaptor; minus strand). Cytogenetic location: 12p12.3.
Variant type: single nucleotide variant.
Coding change: c.1677+36A>G on transcript NM_004447.6 (MANE Select); 36 bases into the intron after coding-DNA position 1677, A replaced by G.
Molecular consequence: intron variant.
Genome position (GRCh38, 1-based): chr12:15,641,686, T>C on the plus strand (A>G on the coding strand, the complement: EPS8 is on the minus strand). VCF-style: chr12-15641686-T-C. GRCh37 (hg19) VCF-style: chr12-15794620-T-C.
Other names: NC_000012.11:g.15794620T>C.
Identifiers: ClinVar variation 683164 (VCV000683164.3), dbSNP rs57245594, ClinGen allele CA6467477.
Genomic context (GRCh38, chr12:15,641,686, plus strand): 5'-ATATAATACTTTTGAAGGAAAGTTTAGTTATATACCAAAAGAGTAATACAATAAAACTAC[T>C]TTATTAAGAGTATAAAAAAGAAAAAATTATATTACCTCTAAAATATCATCCTTTAGAACC-3'